The following is an entry in ClinVar:

NM_182641.4(BPTF):c.5029A>G (p.Thr1677Ala)

Gene: BPTF (bromodomain PHD finger transcription factor; plus strand). Cytogenetic location: 17q24.2.
Variant type: single nucleotide variant.
Coding change: c.5029A>G on transcript NM_182641.4 (MANE Select); coding-DNA position 5029, A replaced by G.
Protein change: p.Thr1677Ala; replaces threonine 1677 with alanine.
Molecular consequence: missense variant.
Genome position (GRCh38, 1-based): chr17:67,912,913, A>G. VCF-style: chr17-67912913-A-G. GRCh37 (hg19) VCF-style: chr17-65909029-A-G.
Other names: c.5407A>G, p.Thr1803Ala (NM_004459.7); short protein forms T1677A, T1803A.
Identifiers: ClinVar variation 2579355 (VCV002579355.1), dbSNP rs2511509792, ClinGen allele CA400731546.

ClinVar aggregate classification (germline): Uncertain significance (1 of 4 stars; one submission).

Submission:

GeneDx
Classification: Uncertain significance. Last evaluated: 2023-03-05. Review status: criteria provided, single submitter. Criteria: GeneDx Variant Classification Process June 2021. Collection method: clinical testing. Allele origin: germline. Affected: yes.
Comment: Not observed at significant frequency in large population cohorts (gnomAD); In silico analysis supports that this missense variant has a deleterious effect on protein structure/function; Has not been previously published as pathogenic or benign to our knowledge